The following is an entry in ClinVar:

ClinVar aggregate classification (germline): Pathogenic (1 of 4 stars; one submission).

Conditions:
Breast-ovarian cancer, familial, susceptibility to, 3. Also called: RAD51C-Related Breast/Ovarian Cancer. Identifiers: Orphanet 145, MedGen C3150659, MONDO:0013253, OMIM 613399.

Submission:

Myriad Genetics, Inc.
Classification: Pathogenic for Breast-ovarian cancer, familial, susceptibility to, 3. Last evaluated: 2025-02-19. Review status: criteria provided, single submitter. Criteria: Myriad Autosomal Dominant, Autosomal Recessive and X-Linked Classification Criteria (2023). Collection method: clinical testing. Allele origin: unknown.
Comment: This variant is considered pathogenic. This variant creates a frameshift predicted to result in premature protein truncation.

NM_058216.3(RAD51C):c.313del (p.Ser105fs)

Gene: RAD51C (RAD51 paralog C; plus strand). Cytogenetic location: 17q22.
Variant type: Deletion.
Coding change: c.313del on transcript NM_058216.3 (MANE Select); coding-DNA position 313, one base deleted (T; older notation c.313delT).
Protein change: p.Ser105fs; shifts the reading frame from serine 105.
Molecular consequence: frameshift variant. On other transcripts: non-coding transcript variant (2).
Genome position (GRCh38, 1-based): chr17:58,695,098, T deleted; the last of 2 consecutive T bases (chr17:58,695,097-58,695,098); deleting either gives the same sequence. VCF-style (leftmost placement, unchanged base first): chr17-58695096-GT-G. GRCh37 (hg19) VCF-style: chr17-56772457-GT-G.
Other names: c.313del, p.Ser105fs (NM_002876.4); short protein forms S105fs.
Identifiers: ClinVar variation 3904724 (VCV003904724.1).